The following is an entry in ClinVar:

NM_182758.4(WDR72):c.100A>G (p.Thr34Ala)

Gene: WDR72 (WD repeat domain 72; minus strand). Cytogenetic location: 15q21.3.
Variant type: single nucleotide variant.
Coding change: c.100A>G on transcript NM_182758.4 (MANE Select); coding-DNA position 100, A replaced by G.
Protein change: p.Thr34Ala; replaces threonine 34 with alanine.
Molecular consequence: missense variant. On other transcripts: non-coding transcript variant (1).
Genome position (GRCh38, 1-based): chr15:53,733,050, T>C on the plus strand (A>G on the coding strand, the complement: WDR72 is on the minus strand). VCF-style: chr15-53733050-T-C. GRCh37 (hg19) VCF-style: chr15-54025247-T-C.
Other names: short protein forms T34A.
Identifiers: ClinVar variation 4857480 (VCV004857480.1).

ClinVar aggregate classification (germline): Likely pathogenic (1 of 4 stars; one submission).

Conditions:
Amelogenesis imperfecta hypomaturation type 2A3. Also called: Amelogenesis imperfecta, type IIA3. Identifiers: Orphanet 88661, MedGen C2750771, MONDO:0013181, OMIM 613211. Disease mechanism: loss of function.

Submission:

Leeds Amelogenesis Imperfecta Research Group, University of Leeds
Classification: Likely pathogenic for Amelogenesis imperfecta hypomaturation type 2A3. Last evaluated: 2026-06-22. Review status: criteria provided, single submitter. Criteria: ACMG Guidelines, 2015. Collection method: research. Allele origin: biparental. Inheritance: Autosomal recessive inheritance. Affected: yes. Observed: 1 variant allele, 1 homozygote. Segregation with disease observed.
Comment: The NM _182758.4: c.100A>G, p.(Thr34Ala) variant in WDR72 is part of a complex allele with c.883G>A, p.(Ala295Thr) and c.1048G>A, p.(Thr350Ala) appearing in cis. Variants in WDR72 have been previously identified in individuals with amelogenesis imperfecta. This family were previously included as part of a cohort study, but only the c.883G>A variant was stated as being identified as screening was via smMIPs, this variants was identified by whole exome sequencing. This variant is not listed in ClinVar. The family have amelogenesis imperfecta which is a disease associated with pathogenic variants in this gene (PP4). This variant is absent in gnomAD v.4.1.1 (PM2). CADD (v1.6) analysis showed this variant to have a score of 24.75 (20 indicates that the variant is in the top 1% of most deleterious variants of the genome, 30 indicates that it is in the top 0.1%), Polyphen-2 predicts this variant to be probably damaging with a score of 0.991. Aggregated score on Franklin shows this variant’s score to be likely pathogenic when moderate evidence as stated above is applied to the original VUS classification. The family and the variant have been reported by Hany et al. 2025: PMID:40741335. In summary, this variant meets criteria to be classified as likely pathogenic for amelogenesis imperfecta based on the ACMG/AMP criteria applied, as specified: PP1, PP4, PM3, PM2, but in reality it’s in a complex allele whose information cannot be completely captured using ACMG criteria from Franklin / Genoox.

Literature cited by the submitters: PubMed 40741335.